The following is an entry in ClinVar:

NM_001122630.2(CDKN1C):c.546_593del (p.Val184_Pro199del)

Gene: CDKN1C (cyclin dependent kinase inhibitor 1C; minus strand). Cytogenetic location: 11p15.4.
Variant type: Deletion.
Coding change: c.546_593del on transcript NM_001122630.2 (MANE Select); coding-DNA positions 546 to 593, 48 bases deleted.
Protein change: p.Val184_Pro199del.
Molecular consequence: intron variant (on NM_001362475.2).
Genome position (GRCh38, 1-based): chr11:2,884,864-2,884,911, 48 bases deleted; deleting any 48 consecutive bases within chr11:2,884,864-2,884,922 gives the same sequence; the c. name uses the placement nearest the transcript's 3' end. GRCh37 (hg19): chr11:2,906,105-2,906,152.
Other names: c.579_626del, p.Val195_Pro210del (NM_000076.2, NM_001362474.2); c.546_593del, p.Val184_Pro199del (NM_001122631.2); c.255+291_255+338del (NM_001362475.2); c.579_626del48 (NM_000076.2).
Identifiers: ClinVar variation 3049537 (VCV003049537.4), dbSNP rs1848932888, ClinGen allele CA934495547.
Genomic context (GRCh38, chr11:2,884,863, plus strand): 5'-GTTCGCGCCCTGCTCGGCGCTCTCTTGAGGCGCCGCGTCCGGGGCCGGGGCCGGGGCGGG[GGCCGGGGCCGGGGCCGGGGCCGGGGCTGGGGCCGGGGCCGCGACTGGA>G]GCCGGGGCCGGAGCCGGAGCCGGAGCCGGGGCCGGGGCCGGGGCCAGGACCGCGACCGCG-3'

ClinVar aggregate classification (germline): Likely benign. Review status: criteria provided, single submitter (1 of 4 stars). 2 submissions from 2 submitters: Likely benign (1). 1 of the submissions does not count toward it. Last evaluated 2025-02-23.

Conditions:
CDKN1C-related disorder. Also called: CDKN1C-related condition.
Beckwith-Wiedemann syndrome (BWS). Also called: Exomphalos macroglossia gigantism syndrome; EMG SYNDROME. Identifiers: Orphanet 116, MedGen C0004903, MONDO:0007534, OMIM 130650.

Submissions (2):

Labcorp Genetics (formerly Invitae), Labcorp
Classification: Likely benign for Beckwith-Wiedemann syndrome. Last evaluated: 2025-02-23. Review status: criteria provided, single submitter. Criteria: Invitae Variant Classification Sherloc (09022015). Collection method: clinical testing. Allele origin: germline.

PreventionGenetics, part of Exact Sciences
Classification: Likely benign for CDKN1C-related condition. Last evaluated: 2024-02-26. Review status: no assertion criteria provided. Collection method: clinical testing. Allele origin: germline. Not counted in ClinVar's aggregate classification.
Comment: This variant is classified as likely benign based on ACMG/AMP sequence variant interpretation guidelines (Richards et al. 2015 PMID: 25741868, with internal and published modifications).